The following is an entry in ClinVar:

NC_012920.1(MT-ATP8):m.8439A>G

Gene: MT-ATP8 (mitochondrially encoded ATP synthase 8; plus strand).
Variant type: single nucleotide variant.
Genome position: chrM-8439-A-G.
Identifiers: ClinVar variation 4857763 (VCV004857763.1).

ClinVar aggregate classification (germline): Uncertain significance (1 of 4 stars; one submission).

Conditions:
MT-ATP8-related disorder.

Submission:

3billion
Classification: Uncertain significance for MT-ATP8-related disorder. Last evaluated: 2025-06-27. Review status: criteria provided, single submitter. Criteria: ACMG Guidelines, 2015. Collection method: clinical testing. Allele origin: germline. Affected: yes.
Comment: The variant is not observed in the gnomAD v4.1.0 dataset. Predicted Consequence/Location: Mitochondrial variant In silico tool predictions suggest no damaging effect of the variant on gene or gene product (APOGEE : 0.33). Therefore, this variant is classified as VUS according to the recommendation of ACMG/AMP guideline.